The following is an entry in ClinVar:

ClinVar aggregate classification (germline): Uncertain significance. Review status: criteria provided, multiple submitters, no conflicts (2 of 4 stars). 2 submissions from 2 submitters: Uncertain significance (2). Last evaluated 2025-10-22.

Allele frequency attached by ClinVar (database versions not stated): ExAC 0.00001; gnomAD exomes 0.00001; gnomAD 0.00003; TOPMed 0.00003.

Submissions (2):

Ambry Genetics
Classification: Uncertain significance. Last evaluated: 2025-10-22. Review status: criteria provided, single submitter. Criteria: Ambry Variant Classification Scheme 2023. Collection method: clinical testing. Allele origin: germline.

Labcorp Genetics (formerly Invitae), Labcorp
Classification: Uncertain significance. Last evaluated: 2025-05-13. Review status: criteria provided, single submitter. Criteria: Invitae Variant Classification Sherloc (09022015). Collection method: clinical testing. Allele origin: germline.
Comment: This sequence change replaces arginine, which is basic and polar, with tryptophan, which is neutral and slightly polar, at codon 303 of the ANKZF1 protein (p.Arg303Trp). This variant is present in population databases (rs764170493, gnomAD 0.007%). This variant has not been reported in the literature in individuals affected with ANKZF1-related conditions. ClinVar contains an entry for this variant (Variation ID: 1959920). An algorithm developed to predict the effect of missense changes on protein structure and function (PolyPhen-2) suggests that this variant is likely to be disruptive. In summary, the available evidence is currently insufficient to determine the role of this variant in disease. Therefore, it has been classified as a Variant of Uncertain Significance.

NM_018089.3(ANKZF1):c.907C>T (p.Arg303Trp)

Gene: ANKZF1 (ankyrin repeat and zinc finger peptidyl tRNA hydrolase 1; plus strand). Cytogenetic location: 2q35.
Variant type: single nucleotide variant.
Coding change: c.907C>T on transcript NM_018089.3 (MANE Select); coding-DNA position 907, C replaced by T.
Protein change: p.Arg303Trp; replaces arginine 303 with tryptophan.
Molecular consequence: missense variant.
Genome position (GRCh38, 1-based): chr2:219,233,802, C>T. VCF-style: chr2-219233802-C-T. GRCh37 (hg19) VCF-style: chr2-220098524-C-T.
Other names: c.907C>T, p.Arg303Trp (NM_001042410.2); c.277C>T, p.Arg93Trp (NM_001282792.2); short protein forms R93W, R303W.
Identifiers: ClinVar variation 1959920 (VCV001959920.7), dbSNP rs764170493, ClinGen allele CA2120906.
Genomic context (GRCh38, chr2:219,233,802, plus strand): 5'-AGCTGGGCTAAGGCGCTGGAGGAGGCTGGTACAATACTGTTGCGTGCTCCCCGCTCTGGC[C>T]GGTCTTTGTTCTTTGGAGGCAAGGGAGCACCCCTGCAAAGGGGGGATCCCCGACTTTGGG-3'
Protein context (NP_060559.2, residues 293-313): TILLRAPRSG[Arg303Trp]SLFFGGKGAP